The following is an entry in ClinVar:

ClinVar aggregate classification (germline): Uncertain significance (1 of 4 stars; one submission).

Conditions:
Glomerulopathy with fibronectin deposits 2 (GFND2). Identifiers: Orphanet 84090, MedGen C1866075, MONDO:0011165, OMIM 601894.
Spondylometaphyseal dysplasia - Sutcliffe type. Also called: Spondylometaphyseal Dysplasia, Corner Fracture Type; Sutcliffe type of spondylometaphyseal dysplasia; Sutcliffe SMD; Spondylometaphyseal dysplasia, 'corner fracture' type. Identifiers: Orphanet 93315, MedGen C0432221, MONDO:0008479, OMIM 184255.

Submission:

Juno Genomics, Hangzhou Juno Genomics, Inc
Classification: Uncertain significance for Glomerulopathy with fibronectin deposits 2; Spondylometaphyseal dysplasia - Sutcliffe type. Review status: criteria provided, single submitter. Criteria: ACMG Guidelines, 2015. Collection method: clinical testing. Allele origin: germline.
Comment: Absent from controls (or at extremely low frequency if recessive) in Genome Aggregation Database.;Missense variant in a gene that has a low rate of benign missense variation.

NM_212482.4(FN1):c.5995A>C (p.Asn1999His)

Genes: FN1 (fibronectin 1; minus strand), LOC126806496 (CDK7 strongly-dependent group 2 enhancer GRCh37_chr2:216240057-216241256; plus strand). Cytogenetic location: 2q35.
Variant type: single nucleotide variant.
Coding change: c.5995A>C on transcript NM_212482.4 (MANE Select); coding-DNA position 5995, A replaced by C.
Protein change: p.Asn1999His; replaces asparagine 1999 with histidine.
Molecular consequence: missense variant.
Genome position (GRCh38, 1-based): chr2:215,375,376, T>G on the plus strand (A>C on the coding strand, the complement: FN1 is on the minus strand). VCF-style: chr2-215375376-T-G. GRCh37 (hg19) VCF-style: chr2-216240099-T-G.
Other names: c.5995A>C, p.Asn1999His (NM_001306129.2); c.5725A>C, p.Asn1909His (NM_001306130.2, NM_001365517.2, NM_001365519.2 and 2 more transcripts); c.5452A>C, p.Asn1818His (NM_001306131.2, NM_001306132.2, NM_001365523.2 and 2 more transcripts); c.5722A>C, p.Asn1908His (NM_001365518.2, NM_001365520.2, NM_001365524.2 and 2 more transcripts); short protein forms N1818H, N1908H, N1909H, N1999H.
Identifiers: ClinVar variation 5019831 (VCV005019831.2).